The following is an entry in ClinVar:

NM_001080517.3(SETD5):c.2171G>A (p.Arg724His)

Gene: SETD5 (SET domain containing 5; plus strand). Cytogenetic location: 3p25.3.
Variant type: single nucleotide variant.
Coding change: c.2171G>A on transcript NM_001080517.3 (MANE Select); coding-DNA position 2171, G replaced by A.
Protein change: p.Arg724His; replaces arginine 724 with histidine.
Molecular consequence: missense variant.
Genome position (GRCh38, 1-based): chr3:9,448,455, G>A. VCF-style: chr3-9448455-G-A. GRCh37 (hg19) VCF-style: chr3-9490139-G-A.
Other names: c.1877G>A, p.Arg626His (NM_001292043.2, NM_001349451.2); c.2171G>A (NM_001080517.1); short protein forms R724H, R626H.
Identifiers: ClinVar variation 2821282 (VCV002821282.4), dbSNP rs1271120431, ClinGen allele CA351700987.

ClinVar aggregate classification (germline): Uncertain significance. Review status: criteria provided, multiple submitters, no conflicts (2 of 4 stars). 2 submissions from 2 submitters: Uncertain significance (2). Last evaluated 2023-06-15.

Allele frequency attached by ClinVar (database versions not stated): gnomAD exomes 0.00001.
gnomAD v4.1: 7 of 1,613,872 alleles (0.00043%); highest among the groups gnomAD compares: Non-Finnish European, 0.00059%; no homozygotes.

Submissions (2):

GeneDx
Classification: Uncertain significance. Last evaluated: 2023-06-15. Review status: criteria provided, single submitter. Criteria: GeneDx Variant Classification Process June 2021. Collection method: clinical testing. Allele origin: germline. Affected: yes.
Comment: Not observed at significant frequency in large population cohorts (gnomAD); In silico analysis supports that this missense variant has a deleterious effect on protein structure/function; Has not been previously published as pathogenic or benign to our knowledge

Labcorp Genetics (formerly Invitae), Labcorp
Classification: Uncertain significance. Last evaluated: 2022-12-15. Review status: criteria provided, single submitter. Criteria: Invitae Variant Classification Sherloc (09022015). Collection method: clinical testing. Allele origin: germline.
Comment: In summary, the available evidence is currently insufficient to determine the role of this variant in disease. Therefore, it has been classified as a Variant of Uncertain Significance. Advanced modeling of protein sequence and biophysical properties (such as structural, functional, and spatial information, amino acid conservation, physicochemical variation, residue mobility, and thermodynamic stability) performed at Invitae indicates that this missense variant is expected to disrupt SETD5 protein function. This variant has not been reported in the literature in individuals affected with SETD5-related conditions. This variant is present in population databases (no rsID available, gnomAD 0.0009%). This sequence change replaces arginine, which is basic and polar, with histidine, which is basic and polar, at codon 724 of the SETD5 protein (p.Arg724His).